The following is an entry in ClinVar:

ClinVar aggregate classification (germline): Uncertain significance (1 of 4 stars; one submission).

Conditions:
Cardiovascular phenotype. Identifiers: MedGen CN230736.

gnomAD v4.1: 9 of 1,614,082 alleles (0.00056%); highest among the groups gnomAD compares: Non-Finnish European, 0.00068%; no homozygotes.

Submission:

Ambry Genetics
Classification: Uncertain significance for Cardiovascular phenotype. Last evaluated: 2026-03-25. Review status: criteria provided, single submitter. Criteria: Ambry Variant Classification Scheme 2023. Collection method: clinical testing. Allele origin: germline.
Comment: The p.F141L variant (also known as c.421T>C), located in coding exon 4 of the ENG gene, results from a T to C substitution at nucleotide position 421. The phenylalanine at codon 141 is replaced by leucine, an amino acid with highly similar properties. This amino acid position is conserved. In addition, this alteration is predicted to be tolerated by in silico analysis. Based on the available evidence, the clinical significance of this variant remains unclear.

NM_001114753.3(ENG):c.421T>C (p.Phe141Leu)

Gene: ENG (endoglin; minus strand). Cytogenetic location: 9q34.11.
Variant type: single nucleotide variant.
Coding change: c.421T>C on transcript NM_001114753.3 (MANE Select); coding-DNA position 421, T replaced by C.
Protein change: p.Phe141Leu; replaces phenylalanine 141 with leucine.
Molecular consequence: missense variant. On other transcripts: 5 prime UTR variant (1).
Genome position (GRCh38, 1-based): chr9:127,826,612, A>G on the plus strand (T>C on the coding strand, the complement: ENG is on the minus strand). VCF-style: chr9-127826612-A-G. GRCh37 (hg19) VCF-style: chr9-130588891-A-G.
Other names: c.421T>C, p.Phe141Leu (NM_000118.4, NM_001406715.1); c.-126T>C (NM_001278138.2); short protein forms F141L.
Identifiers: ClinVar variation 4870413 (VCV004870413.1).